The following is an entry in ClinVar:

ClinVar aggregate classification (germline): Benign. Review status: criteria provided, multiple submitters, no conflicts (2 of 4 stars). 14 submissions from 13 submitters: Benign (12). 2 of the submissions do not count toward it. Last evaluated 2026-02-04.

Conditions:
Arthrogryposis multiplex congenita 6. Identifiers: MedGen C5543431, MONDO:0030281, OMIM 619334.
Nemaline myopathy 2 (NEM2). Also called: Nemaline myopathy 2, autosomal recessive. Identifiers: MedGen C1850569, MONDO:0009725, OMIM 256030.

Allele frequency attached by ClinVar (database versions not stated): 1000 Genomes Project 30x 0.64663; ESP Exome Variant Server 0.64977; 1000 Genomes Project 0.65315; gnomAD 0.66275 and 0.66332; TOPMed 0.66624; gnomAD exomes 0.66738 and 0.66739; ExAC 0.67070.
gnomAD v4.1: 1,062,286 of 1,593,254 alleles (67%); highest among the groups gnomAD compares: East Asian, 82%; 357,250 homozygotes.

Submissions (14):

Labcorp Genetics (formerly Invitae), Labcorp
Classification: Benign for Nemaline myopathy 2. Last evaluated: 2026-02-04. Review status: criteria provided, single submitter. Criteria: Invitae Variant Classification Sherloc (09022015). Collection method: clinical testing. Allele origin: germline.

Blueprint Genetics
Classification: Benign. Last evaluated: 2024-11-26. Review status: criteria provided, single submitter. Criteria: ACMG Guidelines, 2015. Collection method: clinical testing. Allele origin: germline.

Genome-Nilou Lab
Classification: Benign for Arthrogryposis multiplex congenita 6. Last evaluated: 2021-07-10. Review status: criteria provided, single submitter. Criteria: ACMG Guidelines, 2015. Collection method: clinical testing. Allele origin: germline. Affected: no.

Genome-Nilou Lab
Classification: Benign for Nemaline myopathy 2. Last evaluated: 2021-07-10. Review status: criteria provided, single submitter. Criteria: ACMG Guidelines, 2015. Collection method: clinical testing. Allele origin: germline. Affected: no.

Illumina Laboratory Services, Illumina
Classification: Benign for Nemaline myopathy 2. Last evaluated: 2018-01-13. Review status: criteria provided, single submitter. Criteria: ICSL Variant Classification Criteria 13 December 2019. Collection method: clinical testing. Allele origin: germline.
Comment: This variant was observed in the ICSL laboratory as part of a predisposition screen in an ostensibly healthy population. It had not been previously curated by ICSL or reported in the Human Gene Mutation Database (HGMD: prior to June 1st, 2018), and was therefore a candidate for classification through an automated scoring system. Utilizing variant allele frequency, disease prevalence and penetrance estimates, and inheritance mode, an automated score was calculated to assess if this variant is too frequent to cause the disease. Based on the score and internal cut-off values, a variant classified as benign is not then subjected to further curation. The score for this variant resulted in a classification of benign for this disease.

Mayo Clinic Laboratories, Mayo Clinic
Classification: Benign. Last evaluated: 2017-07-20. Review status: criteria provided, single submitter. Criteria: ACMG Guidelines, 2015. Collection method: clinical testing. Allele origin: germline. Observed: 573 variant alleles.

Women's Health and Genetics/Laboratory Corporation of America, LabCorp
Classification: Benign. Last evaluated: 2017-02-27. Review status: criteria provided, single submitter. Criteria: LabCorp Variant Classification Summary - May 2015. Collection method: clinical testing. Allele origin: germline.
Comment: Variant summary: The NEB c.18305G>C (p.Arg6102Thr) variant involves the alteration of a conserved nucleotide. 3/4 in silico tools predict a benign outcome for this variant (SNPs&GO not captured due to low reliability index). This variant was found in 75124/112008 control chromosomes (24879 homozygotes) at a frequency of 0.6707021, which is approximately 190 times the estimated maximal expected allele frequency of a pathogenic NEB variant (0.0035355), suggesting this variant is likely a benign polymorphism. The variant of interest has been reported in a patient affected with muscular dystrophy for which a spicing variant in CHKB likely can explain the phenoytpe. This variant has also been reported in an acral melanoma sample witout evidence for causality. In addition, multiple clinical diagnostic laboratories/reputable databases classified this variant as benign/likely benign. Taken together, this variant is classified as benign.

GeneDx
Classification: Benign. Last evaluated: 2016-01-05. Review status: criteria provided, single submitter. Criteria: GeneDx Variant Classification (06012015). Collection method: clinical testing. Allele origin: germline. Affected: yes.
Comment: This variant is considered likely benign or benign based on one or more of the following criteria: it is a conservative change, it occurs at a poorly conserved position in the protein, it is predicted to be benign by multiple in silico algorithms, and/or has population frequency not consistent with disease.

Laboratory for Molecular Medicine, Mass General Brigham Personalized Medicine
Classification: Benign. Last evaluated: 2014-11-26. Review status: criteria provided, single submitter. Criteria: LMM Criteria. Collection method: clinical testing. Allele origin: germline. Observed: 12 variant alleles.
Comment: This is a RefSeq error. The reference base (c.18305G) is the minor allele. This allele (G) has been identified in 34% (2760/8198) of European American chromosom es and 38% (1400/3680) of African American chromosomes by the NHLBI Exome Sequen cing Project (dbSNP rs2288210) and thus meets criteria to be classified as benign.

Eurofins Ntd Llc (ga)
Classification: Benign. Last evaluated: 2013-04-05. Review status: criteria provided, single submitter. Criteria: EGL Classification Definitions 2015. Collection method: clinical testing. Allele origin: germline. Observed: 3 variant alleles, 2 heterozygotes, 1 homozygote.

Breakthrough Genomics
Classification: Benign. Review status: criteria provided, single submitter. Criteria: ACMG Guidelines, 2015. Collection method: not provided. Allele origin: germline. Inheritance: Autosomal recessive inheritance. Affected: yes.

PreventionGenetics, part of Exact Sciences
Classification: Benign. Review status: criteria provided, single submitter. Criteria: ACMG Guidelines, 2015. Collection method: clinical testing. Allele origin: germline.

Natera, Inc.
Classification: Benign for Nemaline myopathy type 2. Last evaluated: 2020-09-16. Review status: no assertion criteria provided. Collection method: clinical testing. Allele origin: germline. Not counted in ClinVar's aggregate classification.

Genetic Services Laboratory, University of Chicago
Classification: Likely benign for AllHighlyPenetrant. Review status: no assertion criteria provided. Collection method: clinical testing. Allele origin: germline. Inheritance: Autosomal recessive inheritance. Not counted in ClinVar's aggregate classification.
Comment: Likely benign based on allele frequency in 1000 Genomes Project or ESP global frequency and its presence in a patient with a rare or unrelated disease phenotype. NOT Sanger confirmed.

Literature cited by the submitters: PubMed 22183965 (cited by Women's Health and Genetics/Laboratory Corporation of America, LabCorp).

NM_001164508.2(NEB):c.18305G>C (p.Arg6102Thr)

Gene: NEB (nebulin; minus strand). Cytogenetic location: 2q23.3.
Variant type: single nucleotide variant.
Coding change: c.18305G>C on transcript NM_001164508.2 (MANE Select); coding-DNA position 18305, G replaced by C.
Protein change: p.Arg6102Thr; replaces arginine 6102 with threonine.
Molecular consequence: missense variant.
Genome position (GRCh38, 1-based): chr2:151,565,562, C>G on the plus strand (G>C on the coding strand, the complement: NEB is on the minus strand). VCF-style: chr2-151565562-C-G. GRCh37 (hg19) VCF-style: chr2-152422076-C-G.
Other names: c.18305G>C, p.Arg6102Thr (NM_001164507.2, NM_001271208.2); c.13202G>C, p.Arg4401Thr (NM_004543.5); short protein forms R4401T, R6102T.
Identifiers: ClinVar variation 95109 (VCV000095109.33), dbSNP rs2288210, ClinGen allele CA148195.
Genomic context (GRCh38, chr2:151,565,562, plus strand): 5'-TCACTTTGATTGACAGAATTAATCTTGGCTAAAACAATCTCTGGAGGATCCACCACACTT[C>G]TAAAGTTAGGATAGTTTTCAAGGGCATTTTTCTTATATTTGATCTGTAAAGAAACGGAGA-3'
Protein context (NP_001157980.2, residues 6092-6112): KNALENYPNF[Arg6102Thr]SVVDPPEIVL